The following is an entry in ClinVar:

NM_006493.4(CLN5):c.757G>C (p.Glu253Gln)

Gene: CLN5 (CLN5 lysosomal BMP synthase; plus strand). Cytogenetic location: 13q22.3.
Variant type: single nucleotide variant.
Coding change: c.757G>C on transcript NM_006493.4 (MANE Select); coding-DNA position 757, G replaced by C.
Protein change: p.Glu253Gln; replaces glutamic acid 253 with glutamine.
Molecular consequence: missense variant. On other transcripts: 3 prime UTR variant (1).
Genome position (GRCh38, 1-based): chr13:77,000,649, G>C. VCF-style: chr13-77000649-G-C. GRCh37 (hg19) VCF-style: chr13-77574784-G-C.
Other names: c.*206G>C (NM_001366624.2); short protein forms E253Q.
Identifiers: ClinVar variation 1006797 (VCV001006797.10), dbSNP rs1232560552, ClinGen allele CA388312901.
Genomic context (GRCh38, chr13:77,000,649, plus strand): 5'-AAATTTGTGTTAAGGACCTTTAACAAGTTGGCTGAATTTGGAGCAGAGTTCAAGAACATA[G>C]AAACCAACTATACAAGAATATTTCTTTACAGTGGAGAACCTACTTATCTGGGAAATGAAA-3'
Protein context (NP_006484.2, residues 243-263): AEFGAEFKNI[Glu253Gln]TNYTRIFLYS

ClinVar aggregate classification (germline): Uncertain significance. Review status: criteria provided, single submitter (1 of 4 stars). 2 submissions from 2 submitters: Uncertain significance (1). 1 of the submissions does not count toward it. Last evaluated 2022-09-27.

Conditions:
Neuronal ceroid lipofuscinosis. Also called: Neuronal Ceroid Lipofuscinoses. Identifiers: Orphanet 216, Orphanet 79263, MedGen C0027877, MONDO:0016295. Disease mechanism: loss of function.

Allele frequency attached by ClinVar (database versions not stated): gnomAD exomes below 0.00001; gnomAD 0.00001.
gnomAD v4.1: 5 of 1,614,092 alleles (0.00031%); highest among the groups gnomAD compares: East Asian, 0.0089%; no homozygotes.

Submissions (2):

Labcorp Genetics (formerly Invitae), Labcorp
Classification: Uncertain significance for Neuronal ceroid lipofuscinosis. Last evaluated: 2022-09-27. Review status: criteria provided, single submitter. Criteria: Invitae Variant Classification Sherloc (09022015). Collection method: clinical testing. Allele origin: germline.
Comment: This sequence change replaces glutamic acid, which is acidic and polar, with glutamine, which is neutral and polar, at codon 302 of the CLN5 protein (p.Glu302Gln). This variant is present in population databases (no rsID available, gnomAD 0.006%). This variant has not been reported in the literature in individuals affected with CLN5-related conditions. ClinVar contains an entry for this variant (Variation ID: 1006797). Advanced modeling of protein sequence and biophysical properties (such as structural, functional, and spatial information, amino acid conservation, physicochemical variation, residue mobility, and thermodynamic stability) performed at Invitae indicates that this missense variant is not expected to disrupt CLN5 protein function. In summary, the available evidence is currently insufficient to determine the role of this variant in disease. Therefore, it has been classified as a Variant of Uncertain Significance.

Natera, Inc.
Classification: Uncertain significance for Neuronal ceroid lipofuscinosis. Last evaluated: 2021-06-25. Review status: no assertion criteria provided. Collection method: clinical testing. Allele origin: germline. Not counted in ClinVar's aggregate classification.